The following is an entry in ClinVar:

NM_000059.4(BRCA2):c.6480A>C (p.Gln2160His)

Gene: BRCA2 (BRCA2 DNA repair associated; plus strand). Cytogenetic location: 13q13.1.
Variant type: single nucleotide variant.
Coding change: c.6480A>C on transcript NM_000059.4 (MANE Select); coding-DNA position 6480, A replaced by C.
Protein change: p.Gln2160His; replaces glutamine 2160 with histidine.
Molecular consequence: missense variant.
Genome position (GRCh38, 1-based): chr13:32,340,835, A>C. VCF-style: chr13-32340835-A-C. GRCh37 (hg19) VCF-style: chr13-32914972-A-C.
Other names: c.6480A>C, p.Gln2160His (NM_001406719.1, NM_001406720.1); short protein forms Q2160H.
Identifiers: ClinVar variation 1753764 (VCV001753764.4), dbSNP rs2137527978, ClinGen allele CA387789441.

ClinVar aggregate classification (germline): Conflicting classifications of pathogenicity. Review status: criteria provided, conflicting classifications (1 of 4 stars). 2 submissions from 2 submitters: Uncertain significance (1); Likely benign (1). Last evaluated 2023-03-23.

Conditions:
Hereditary cancer-predisposing syndrome. Also called: Neoplastic Syndromes, Hereditary; Tumor predisposition; Hereditary Cancer Syndrome; Hereditary neoplastic syndrome. Identifiers: Orphanet 140162, MedGen C0027672, MeSH D009386, MONDO:0015356.

Submissions (2):

University of Washington Department of Laboratory Medicine, University of Washington
Classification: Likely benign for Hereditary cancer-predisposing syndrome. Last evaluated: 2023-03-23. Review status: criteria provided, single submitter. Criteria: Dines et al. (Genet Med. 2020). Collection method: curation. Allele origin: germline.
Comment: Missense variant in a coldspot region where missense variants are very unlikely to be pathogenic (PMID:31911673).

BRCA2 exon 11 coldspot. Reclassification based on statistical prior probability.

Ambry Genetics
Classification: Uncertain significance for Hereditary cancer-predisposing syndrome. Last evaluated: 2020-05-15. Review status: criteria provided, single submitter. Criteria: Ambry Variant Classification Scheme 2023. Collection method: clinical testing. Allele origin: germline.
Comment: The p.Q2160H variant (also known as c.6480A>C), located in coding exon 10 of the BRCA2 gene, results from an A to C substitution at nucleotide position 6480. The glutamine at codon 2160 is replaced by histidine, an amino acid with highly similar properties. This amino acid position is not well conserved in available vertebrate species. In addition, the in silico prediction for this alteration is inconclusive. Since supporting evidence is limited at this time, the clinical significance of this alteration remains unclear.